The following is an entry in ClinVar:

ClinVar aggregate classification (germline): Uncertain significance. Review status: criteria provided, multiple submitters, no conflicts (2 of 4 stars). 2 submissions from 2 submitters: Uncertain significance (2). Last evaluated 2024-02-04.

Conditions:
Acrocallosal syndrome (ACLS). Also called: HALLUX DUPLICATION, POSTAXIAL POLYDACTYLY, AND ABSENCE OF CORPUS CALLOSUM; Schinzel syndrome 1; Absence of corpus callosum with unusual facial appearance, mental deficiency, duplication of the halluces and polydactyly. Identifiers: Orphanet 36, MedGen C0796147, MONDO:0008708, OMIM 200990.
Multiple epiphyseal dysplasia, Al-Gazali type. Also called: Macrocephaly with multiple epiphyseal dysplasia and distinctive facies. Identifiers: Orphanet 166024, MedGen C1846722, MONDO:0011778, OMIM 607131.
Hydrolethalus syndrome 2 (HLS2). Identifiers: Orphanet 2189, MedGen C3279899, MONDO:0013585, OMIM 614120.

Allele frequency attached by ClinVar (database versions not stated): gnomAD 0.00001; TOPMed 0.00002; gnomAD exomes 0.00003; ExAC 0.00004; ESP Exome Variant Server 0.00008.
gnomAD v4.1: 39 of 1,613,818 alleles (0.0024%); highest among the groups gnomAD compares: South Asian, 0.0077%; no homozygotes.

Submissions (2):

Fulgent Genetics
Classification: Uncertain significance for Acrocallosal syndrome; Multiple epiphyseal dysplasia, Al-Gazali type; Hydrolethalus syndrome 2. Last evaluated: 2024-02-04. Review status: criteria provided, single submitter. Criteria: ACMG Guidelines, 2015. Collection method: clinical testing. Allele origin: germline.

GeneDx
Classification: Uncertain significance. Last evaluated: 2022-06-09. Review status: criteria provided, single submitter. Criteria: GeneDx Variant Classification Process June 2021. Collection method: clinical testing. Allele origin: germline. Affected: yes.
Comment: Not observed at significant frequency in large population cohorts (gnomAD); In silico analysis supports that this missense variant does not alter protein structure/function; Has not been previously published as pathogenic or benign to our knowledge

NM_198525.3(KIF7):c.1960C>T (p.Arg654Cys)

Gene: KIF7 (kinesin family member 7; minus strand). Cytogenetic location: 15q26.1.
Variant type: single nucleotide variant.
Coding change: c.1960C>T on transcript NM_198525.3 (MANE Select); coding-DNA position 1960, C replaced by T.
Protein change: p.Arg654Cys; replaces arginine 654 with cysteine.
Molecular consequence: missense variant.
Genome position (GRCh38, 1-based): chr15:89,645,414, G>A on the plus strand (C>T on the coding strand, the complement: KIF7 is on the minus strand). VCF-style: chr15-89645414-G-A. GRCh37 (hg19) VCF-style: chr15-90188645-G-A.
Other names: short protein forms R654C.
Identifiers: ClinVar variation 1803646 (VCV001803646.2), dbSNP rs370083276, ClinGen allele CA7728385.